The following is an entry in ClinVar:

NM_003705.5(SLC25A12):c.271T>G (p.Phe91Val)

Gene: SLC25A12 (solute carrier family 25 member 12; minus strand). Cytogenetic location: 2q31.1.
Variant type: single nucleotide variant.
Coding change: c.271T>G on transcript NM_003705.5 (MANE Select); coding-DNA position 271, T replaced by G.
Protein change: p.Phe91Val; replaces phenylalanine 91 with valine.
Molecular consequence: missense variant.
Genome position (GRCh38, 1-based): chr2:171,855,888, A>C on the plus strand (T>G on the coding strand, the complement: SLC25A12 is on the minus strand). VCF-style: chr2-171855888-A-C. GRCh37 (hg19) VCF-style: chr2-172712398-A-C.
Other names: c.271T>G (NM_003705.3); short protein forms F91V.
Identifiers: ClinVar variation 2146551 (VCV002146551.2), dbSNP rs1685034751, ClinGen allele CA349632349.

ClinVar aggregate classification (germline): Uncertain significance. Review status: criteria provided, multiple submitters, no conflicts (2 of 4 stars). 2 submissions from 2 submitters: Uncertain significance (2). Last evaluated 2025-08-27.

Conditions:
Inborn genetic diseases. Identifiers: MedGen C0950123, MeSH D030342.

Allele frequency attached by ClinVar (database versions not stated): TOPMed below 0.00001; gnomAD exomes 0.00001.
gnomAD v4.1: 3 of 1,613,832 alleles (0.00019%); highest among the groups gnomAD compares: Non-Finnish European, 0.00025%; no homozygotes.

Submissions (2):

Ambry Genetics
Classification: Uncertain significance for Inborn genetic diseases. Last evaluated: 2025-08-27. Review status: criteria provided, single submitter. Criteria: Ambry Variant Classification Scheme 2023. Collection method: clinical testing. Allele origin: germline.

Labcorp Genetics (formerly Invitae), Labcorp
Classification: Uncertain significance. Last evaluated: 2022-07-27. Review status: criteria provided, single submitter. Criteria: Invitae Variant Classification Sherloc (09022015). Collection method: clinical testing. Allele origin: germline.
Comment: This sequence change replaces phenylalanine, which is neutral and non-polar, with valine, which is neutral and non-polar, at codon 91 of the SLC25A12 protein (p.Phe91Val). This variant is not present in population databases (gnomAD no frequency). This variant has not been reported in the literature in individuals affected with SLC25A12-related conditions. Algorithms developed to predict the effect of missense changes on protein structure and function are either unavailable or do not agree on the potential impact of this missense change (SIFT: "Deleterious"; PolyPhen-2: "Possibly Damaging"; Align-GVGD: "Class C0"). In summary, the available evidence is currently insufficient to determine the role of this variant in disease. Therefore, it has been classified as a Variant of Uncertain Significance.